The following is an entry in ClinVar:

ClinVar aggregate classification (germline): Benign. Review status: reviewed by expert panel (3 of 4 stars). 2 submissions from 2 submitters: Benign (1). 1 of the submissions does not count toward it. Last evaluated 2015-01-12.

Conditions:
Breast-ovarian cancer, familial, susceptibility to, 1 (BROVCA1). Also called: BRCA1 Hereditary Breast and Ovarian Cancer; OVARIAN CANCER, SUSCEPTIBILITY TO. Identifiers: Orphanet 145, MedGen C2676676, MONDO:0011450, OMIM 604370. Disease mechanism: loss of function.
Hereditary cancer-predisposing syndrome. Also called: Tumor predisposition; Hereditary Cancer Syndrome; Neoplastic Syndromes, Hereditary; Hereditary neoplastic syndrome. Identifiers: Orphanet 140162, MedGen C0027672, MeSH D009386, MONDO:0015356.

Allele frequency attached by ClinVar (database versions not stated): gnomAD 0.00445 and 0.00479; TOPMed 0.00523; 1000 Genomes Project 0.00579; 1000 Genomes Project 30x 0.00671.
gnomAD v4.1: 676 of 152,258 alleles (0.44%); highest among the groups gnomAD compares: African/African-American, 1.5%; 6 homozygotes.

Submissions (2):

Evidence-based Network for the Interpretation of Germline Mutant Alleles (ENIGMA)
Classification: Benign for Breast-ovarian cancer, familial 1. Last evaluated: 2015-01-12. Review status: reviewed by expert panel. Criteria: ENIGMA BRCA1/2 Classification Criteria (2015). Collection method: curation. Allele origin: germline.
Comment: Class 1 not pathogenic based on frequency >1% in an outbred sampleset. Frequency 0.01829 (African), derived from 1000 genomes (2012-04-30).

University of Washington Department of Laboratory Medicine, University of Washington
Classification: Likely benign for Hereditary cancer-predisposing syndrome. Last evaluated: 2015-12-01. Review status: no assertion criteria provided. Collection method: clinical testing. Allele origin: germline. Affected: yes. Not counted in ClinVar's aggregate classification.

NM_007294.4(BRCA1):c.4186-2483A>G

Gene: BRCA1 (BRCA1 DNA repair associated; minus strand). Cytogenetic location: 17q21.31.
Variant type: single nucleotide variant.
Coding change: c.4186-2483A>G on transcript NM_007294.4 (MANE Select); 2483 bases into the intron before coding-DNA position 4186, A replaced by G.
Molecular consequence: intron variant.
Genome position (GRCh38, 1-based): chr17:43,085,058, T>C on the plus strand (A>G on the coding strand, the complement: BRCA1 is on the minus strand). VCF-style: chr17-43085058-T-C. GRCh37 (hg19) VCF-style: chr17-41237075-T-C.
Other names: IVS 12-2483A>G; c.4042-2486A>G (NM_001407848.1, NM_001407849.1, NM_001407847.1); c.4042-2483A>G (NM_001407839.1, NM_001407745.1, NM_001407746.1 and 17 more transcripts); c.3922-2483A>G (NM_001407922.1, NM_001407928.1, NM_001407925.1 and 7 more transcripts); c.736-2486A>G (NM_001408469.1, NM_001408467.1, NM_001408466.1); c.736-2483A>G (NM_001408453.1, NM_001408461.1, NM_001408459.1 and 8 more transcripts); c.4045-2483A>G (NM_001407737.1, NM_001407728.1, NM_001407738.1 and 23 more transcripts); c.3976-2483A>G (NM_001407886.1, NM_001407881.1, NM_001407906.1 and 9 more transcripts); and 65 more.
Identifiers: ClinVar variation 209417 (VCV000209417.4), dbSNP rs8176177, ClinGen allele CA276389.
Genomic context (GRCh38, chr17:43,085,058, plus strand): 5'-TAACTTAGACAAATTCCCCAGCAGGTAAGTGGCCAAATACATTAGGGAGAATAAAACCAA[T>C]AGGTTTCTAAGACTTCTTGATTCTAATTCTGAAGTGCTCCTTCAATTAGCTCTAGCCTTC-3'